The following is an entry in ClinVar:

NM_004187.5(KDM5C):c.61T>C (p.Trp21Arg)

Genes: KDM5C (lysine demethylase 5C; minus strand), LOC130068308 (ATAC-STARR-seq lymphoblastoid active region 29656; plus strand). Cytogenetic location: Xp11.22.
Variant type: single nucleotide variant.
Coding change: c.61T>C on transcript NM_004187.5 (MANE Select); coding-DNA position 61, T replaced by C.
Protein change: p.Trp21Arg; replaces tryptophan 21 with arginine.
Molecular consequence: missense variant. On other transcripts: non-coding transcript variant (3).
Genome position (GRCh38, 1-based): chrX:53,224,829, A>G on the plus strand (T>C on the coding strand, the complement: KDM5C is on the minus strand). VCF-style: chrX-53224829-A-G. GRCh37 (hg19) VCF-style: chrX-53254011-A-G.
Other names: c.61T>C, p.Trp21Arg (NM_001146702.2, NM_001282622.3, NM_001353978.3 and 4 more transcripts); short protein forms W21R.
Identifiers: ClinVar variation 2705897 (VCV002705897.3), dbSNP rs2519629196, ClinGen allele CA413134271.
Genomic context (GRCh38, chrX:53,224,829, plus strand): 5'-ATTTCTCTGCGATGGGCCTGATTTTCGCGATGTAGCCAAGAGGGTCTCGGAACTCGGCCC[A>G]GCTAGGCTCGAACACCGGGCACTCCGGTGGCGGTAGGAAATCGTCGGACCCCGGCTCCAT-3'
Protein context (NP_004178.2, residues 11-31): PPECPVFEPS[Trp21Arg]AEFRDPLGYI

ClinVar aggregate classification (germline): Uncertain significance (1 of 4 stars; one submission).

Conditions:
Spastic paraplegia. Identifiers: MedGen C0037772, HP:0001258.

Submission:

Labcorp Genetics (formerly Invitae), Labcorp
Classification: Uncertain significance for Spastic paraplegia. Last evaluated: 2023-12-27. Review status: criteria provided, single submitter. Criteria: Invitae Variant Classification Sherloc (09022015). Collection method: clinical testing. Allele origin: germline.
Comment: This sequence change replaces tryptophan, which is neutral and slightly polar, with arginine, which is basic and polar, at codon 21 of the KDM5C protein (p.Trp21Arg). This variant is not present in population databases (gnomAD no frequency). This variant has not been reported in the literature in individuals affected with KDM5C-related conditions. Advanced modeling of protein sequence and biophysical properties (such as structural, functional, and spatial information, amino acid conservation, physicochemical variation, residue mobility, and thermodynamic stability) has been performed at Invitae for this missense variant, however the output from this modeling did not meet the statistical confidence thresholds required to predict the impact of this variant on KDM5C protein function. In summary, the available evidence is currently insufficient to determine the role of this variant in disease. Therefore, it has been classified as a Variant of Uncertain Significance.